The following is an entry in ClinVar:

ClinVar aggregate classification (germline): Conflicting classifications of pathogenicity. Review status: criteria provided, conflicting classifications (1 of 4 stars). 5 submissions from 5 submitters: Uncertain significance (4); Likely benign (1). Last evaluated 2025-07-30.

Conditions:
Combined oxidative phosphorylation deficiency 44. Also called: FASTKD2-Related Combined Oxidative Phosphorylation Deficiency. Identifiers: MedGen C5394293, MONDO:0030020, OMIM 618855.
Mitochondrial complex IV deficiency, nuclear type 1 (MC4DN1). Also called: COX DEFICIENCY; Mitochondrial complex IV deficiency; Complex 4 mitochondrial respiratory chain deficiency; Deficiency of mitochondrial respiratory chain complex4; Complex IV deficiency. Identifiers: MedGen C5435656, MONDO:0700250, OMIM 220110. Disease mechanism: loss of function.

Allele frequency attached by ClinVar (database versions not stated): ExAC 0.00006; gnomAD 0.00007 and 0.00008; ESP Exome Variant Server 0.00008; TOPMed 0.00009; gnomAD exomes 0.00014.

Submissions (5):

Labcorp Genetics (formerly Invitae), Labcorp
Classification: Likely benign. Last evaluated: 2025-07-30. Review status: criteria provided, single submitter. Criteria: Invitae Variant Classification Sherloc (09022015). Collection method: clinical testing. Allele origin: germline.

Fulgent Genetics
Classification: Uncertain significance for Combined oxidative phosphorylation deficiency 44. Last evaluated: 2024-06-12. Review status: criteria provided, single submitter. Criteria: ACMG Guidelines, 2015. Collection method: clinical testing. Allele origin: germline.

GeneDx
Classification: Uncertain significance. Last evaluated: 2022-10-06. Review status: criteria provided, single submitter. Criteria: GeneDx Variant Classification Process June 2021. Collection method: clinical testing. Allele origin: germline. Affected: yes.
Comment: In silico analysis supports that this missense variant has a deleterious effect on protein structure/function; Has not been previously published as pathogenic or benign to our knowledge

Illumina Laboratory Services, Illumina
Classification: Uncertain significance for Mitochondrial complex IV deficiency, nuclear type 1. Last evaluated: 2018-01-12. Review status: criteria provided, single submitter. Criteria: ICSL Variant Classification Criteria 13 December 2019. Collection method: clinical testing. Allele origin: germline.

Eurofins Ntd Llc (ga)
Classification: Uncertain significance. Last evaluated: 2015-06-02. Review status: criteria provided, single submitter. Criteria: EGL Classification Definitions 2015. Collection method: clinical testing. Allele origin: germline. Observed: 1 variant allele, 1 heterozygote.

NM_001136193.2(FASTKD2):c.602G>A (p.Arg201His)

Gene: FASTKD2 (FAST kinase domains 2; plus strand). Cytogenetic location: 2q33.3.
Variant type: single nucleotide variant.
Coding change: c.602G>A on transcript NM_001136193.2 (MANE Select); coding-DNA position 602, G replaced by A.
Protein change: p.Arg201His; replaces arginine 201 with histidine.
Molecular consequence: missense variant.
Genome position (GRCh38, 1-based): chr2:206,767,295, G>A. VCF-style: chr2-206767295-G-A. GRCh37 (hg19) VCF-style: chr2-207632019-G-A.
Other names: p.R201H:CGC>CAC; c.602G>A, p.Arg201His (NM_001136194.2, NM_014929.4); short protein forms R201H.
Identifiers: ClinVar variation 195304 (VCV000195304.13), dbSNP rs150994958, ClinGen allele CA241673.